The following is an entry in ClinVar:

ClinVar aggregate classification (germline): Uncertain significance (1 of 4 stars; one submission).

Submission:

GeneDx
Classification: Uncertain significance. Last evaluated: 2022-10-17. Review status: criteria provided, single submitter. Criteria: GeneDx Variant Classification Process June 2021. Collection method: clinical testing. Allele origin: germline. Affected: yes.
Comment: Not observed at significant frequency in large population cohorts (gnomAD); In silico analysis supports that this missense variant does not alter protein structure/function; Has not been previously published as pathogenic or benign to our knowledge

NM_031407.7(HUWE1):c.2683G>A (p.Ala895Thr)

Gene: HUWE1 (HECT, UBA and WWE domain containing E3 ubiquitin protein ligase 1; minus strand). Cytogenetic location: Xp11.22.
Variant type: single nucleotide variant.
Coding change: c.2683G>A on transcript NM_031407.7 (MANE Select); coding-DNA position 2683, G replaced by A.
Protein change: p.Ala895Thr; replaces alanine 895 with threonine.
Molecular consequence: missense variant.
Genome position (GRCh38, 1-based): chrX:53,604,648, C>T on the plus strand (G>A on the coding strand, the complement: HUWE1 is on the minus strand). VCF-style: chrX-53604648-C-T. GRCh37 (hg19) VCF-style: chrX-53631609-C-T.
Other names: short protein forms A895T.
Identifiers: ClinVar variation 2499241 (VCV002499241.1), dbSNP rs2526910360, ClinGen allele CA413181135.